The following is an entry in ClinVar:

NM_015311.3(OBSL1):c.2895C>T (p.Ser965=)

Gene: OBSL1 (obscurin like cytoskeletal adaptor 1; minus strand). Cytogenetic location: 2q35.
Variant type: single nucleotide variant.
Coding change: c.2895C>T on transcript NM_015311.3 (MANE Select); coding-DNA position 2895, C replaced by T.
Protein change: p.Ser965=; no amino-acid change (serine 965 retained).
Molecular consequence: synonymous variant.
Genome position (GRCh38, 1-based): chr2:219,562,460, G>A on the plus strand (C>T on the coding strand, the complement: OBSL1 is on the minus strand). VCF-style: chr2-219562460-G-A. GRCh37 (hg19) VCF-style: chr2-220427182-G-A.
Other names: c.2895C>T, p.Ser965= (NM_001173408.2, NM_001173431.2).
Identifiers: ClinVar variation 2651934 (VCV002651934.26), dbSNP rs377130755, ClinGen allele CA2131064.
Genomic context (GRCh38, chr2:219,562,460, plus strand): 5'-ACCTGTGACGGTGACAGTGAAGGAGGCCGACTCATCGTCAATTTCACACAAGTACTCGCC[G>A]GAGTCCTCGAGCTGGACAGCGGGCAGCACCAGGCGGCGGACAGTGTCTTCCTTCTGCAGG-3'
Protein context (NP_056126.1, residues 955-975): LVLPAVQLED[Ser965=]GEYLCEIDDE

ClinVar aggregate classification (germline): Likely benign. Review status: criteria provided, multiple submitters, no conflicts (2 of 4 stars). 2 submissions from 2 submitters: Likely benign (2). Last evaluated 2024-08-21.

Allele frequency attached by ClinVar (database versions not stated): ExAC 0.00001; gnomAD exomes 0.00002; gnomAD 0.00003; TOPMed 0.00004; ESP Exome Variant Server 0.00008.
gnomAD v4.1: 29 of 1,613,868 alleles (0.0018%); highest among the groups gnomAD compares: Non-Finnish European, 0.0023%; no homozygotes.

Submissions (2):

Labcorp Genetics (formerly Invitae), Labcorp
Classification: Likely benign. Last evaluated: 2024-08-21. Review status: criteria provided, single submitter. Criteria: Invitae Variant Classification Sherloc (09022015). Collection method: clinical testing. Allele origin: germline.

CeGaT Center for Human Genetics Tuebingen
Classification: Likely benign. Last evaluated: 2022-12-01. Review status: criteria provided, single submitter. Criteria: CeGaT Center For Human Genetics Tuebingen Variant Classification Criteria Version 2. Collection method: clinical testing. Allele origin: germline. Affected: yes. Observed: 1 variant allele.
Comment: OBSL1: BP4, BP7